The following is an entry in ClinVar:

NM_000038.6(APC):c.6670A>G (p.Ile2224Val)

Gene: APC (APC regulator of Wnt signaling pathway; plus strand). Cytogenetic location: 5q22.2.
Variant type: single nucleotide variant.
Coding change: c.6670A>G on transcript NM_000038.6 (MANE Select); coding-DNA position 6670, A replaced by G.
Protein change: p.Ile2224Val; replaces isoleucine 2224 with valine.
Molecular consequence: missense variant.
Genome position (GRCh38, 1-based): chr5:112,842,264, A>G. VCF-style: chr5-112842264-A-G. GRCh37 (hg19) VCF-style: chr5-112177961-A-G.
Other names: p.I2224V:ATC>GTC; c.6670A>G, p.Ile2224Val (NM_001127510.3, NM_001354895.2); c.6616A>G, p.Ile2206Val (NM_001127511.3); c.6724A>G, p.Ile2242Val (NM_001354896.2); c.6700A>G, p.Ile2234Val (NM_001354897.2); c.6595A>G, p.Ile2199Val (NM_001354898.2); c.6586A>G, p.Ile2196Val (NM_001354899.2); c.6547A>G, p.Ile2183Val (NM_001354900.2); and 6 more; short protein forms I2206V, I2224V, I2123V, I2196V, I2064V, I2165V, I2199V, I2242V.
Identifiers: ClinVar variation 181814 (VCV000181814.62), dbSNP rs374597207, ClinGen allele CA012361.

ClinVar aggregate classification (germline): Conflicting classifications of pathogenicity. Review status: criteria provided, conflicting classifications (1 of 4 stars). 10 submissions from 10 submitters: Uncertain significance (8); Likely benign (2). Last evaluated 2026-01-19.

Conditions:
Familial adenomatous polyposis 1 (FAP1). Also called: POLYPOSIS, ADENOMATOUS INTESTINAL; FAMILIAL ADENOMATOUS POLYPOSIS 1, ATTENUATED. Identifiers: MedGen C2713442, MONDO:0021056, OMIM 175100. Disease mechanism: loss of function.
Desmoid disease, hereditary (DESMD). Also called: FIBROMATOSIS, FAMILIAL INFILTRATIVE. Identifiers: Orphanet 873, MedGen C1851124, OMIM 135290. Disease mechanism: loss of function.
Hepatocellular carcinoma (HCC). Also called: Primary carcinoma of liver; HEPATOMA; LIVER CELL CARCINOMA. Identifiers: Orphanet 88673, MedGen C2239176, MONDO:0007256, OMIM 114550, HP:0001402.
Gastric adenocarcinoma and proximal polyposis of the stomach (GAPPS). Also called: Polyposis, gastric, Dos Santos and de Magalhaes 1980; Gastric Adenocarcinoma and Proximal Polyposis of the Stomach (GAPPS); POLYPOSIS, GASTRIC. Identifiers: Orphanet 314022, MedGen C4749917, MONDO:0017790, OMIM 619182.
Gastric cancer. Also called: Stomach cancer; Malignant tumor of stomach. Identifiers: MedGen C0024623, MeSH D013274, MONDO:0001056, OMIM 613659, HP:0012126.
Colorectal cancer. Also called: Malignant Colorectal Neoplasm; Colorectal cancer, somatic. Identifiers: MedGen C0346629, MONDO:0005575, OMIM 114500.
Classic or attenuated familial adenomatous polyposis. Identifiers: MedGen CN372698, MONDO:0021057.
APC-related disorder. Also called: APC-related condition.
Hereditary cancer-predisposing syndrome. Also called: Tumor predisposition; Neoplastic Syndromes, Hereditary; Hereditary Cancer Syndrome; Hereditary neoplastic syndrome. Identifiers: Orphanet 140162, MedGen C0027672, MeSH D009386, MONDO:0015356.

Allele frequency attached by ClinVar (database versions not stated): gnomAD exomes 0.00001; ExAC 0.00002; gnomAD 0.00002; ESP Exome Variant Server 0.00008.
gnomAD v4.1: 20 of 1,613,940 alleles (0.0012%); highest among the groups gnomAD compares: East Asian, 0.0067%; no homozygotes.

Submissions (10):

Labcorp Genetics (formerly Invitae), Labcorp
Classification: Uncertain significance for Familial adenomatous polyposis 1. Last evaluated: 2026-01-19. Review status: criteria provided, single submitter. Criteria: Invitae Variant Classification Sherloc (09022015). Collection method: clinical testing. Allele origin: germline.
Comment: This sequence change replaces isoleucine, which is neutral and non-polar, with valine, which is neutral and non-polar, at codon 2224 of the APC protein (p.Ile2224Val). This variant is present in population databases (rs374597207, gnomAD 0.007%). This variant has not been reported in the literature in individuals affected with APC-related conditions. ClinVar contains an entry for this variant (Variation ID: 181814). Invitae Evidence Modeling of protein sequence and biophysical properties (such as structural, functional, and spatial information, amino acid conservation, physicochemical variation, residue mobility, and thermodynamic stability) indicates that this missense variant is not expected to disrupt APC protein function with a negative predictive value of 95%. In summary, the available evidence is currently insufficient to determine the role of this variant in disease. Therefore, it has been classified as a Variant of Uncertain Significance.

Ambry Genetics
Classification: Uncertain significance for Hereditary cancer-predisposing syndrome. Last evaluated: 2025-12-10. Review status: criteria provided, single submitter. Criteria: Ambry Variant Classification Scheme 2023. Collection method: clinical testing. Allele origin: germline.
Comment: The p.I2224V variant (also known as c.6670A>G), located in coding exon 15 of the APC gene, results from an A to G substitution at nucleotide position 6670. The isoleucine at codon 2224 is replaced by valine, an amino acid with highly similar properties. This amino acid position is well conserved in available vertebrate species. In addition, in silico predictors for this gene do not accurately predict pathogenicity. Missense variants in APC are not a common cause of disease (Spier I et al. Genet Med. 2024 Feb;26(2):100992). Based on the available evidence, the clinical significance of this variant remains unclear.

Women's Health and Genetics/Laboratory Corporation of America, LabCorp
Classification: Uncertain significance. Last evaluated: 2025-10-29. Review status: criteria provided, single submitter. Criteria: LabCorp Variant Classification Summary - May 2015. Collection method: clinical testing. Allele origin: germline.
Comment: Variant summary: APC c.6670A>G (p.Ile2224Val) results in a conservative amino acid change located in the Adenomatous polyposis coli protein basic domain (IPR009234) of the encoded protein sequence. Algorithms developed to predict the effect of missense changes on protein structure and function are either unavailable or do not agree on the potential impact of this missense change. The variant allele was found at a frequency of 8e-06 in 249988 control chromosomes. The available data on variant occurrences in the general population are insufficient to allow any conclusion about variant significance. c.6670A>G has been reported as a VUS in settings of multigene panel testing in the cancer genetics clinic (e.g. Yorczyk_2015). These report(s) do not provide unequivocal conclusions about association of the variant with Familial Adenomatous Polyposis. To our knowledge, no experimental evidence demonstrating an impact on protein function has been reported. The following publication have been ascertained in the context of this evaluation (PMID: 25318351). ClinVar contains an entry for this variant (Variation ID: 181814). Based on the evidence outlined above, the variant was classified as uncertain significance.

PreventionGenetics, part of Exact Sciences
Classification: Uncertain significance for APC-related condition. Last evaluated: 2025-02-03. Review status: criteria provided, single submitter. Criteria: ACMG Guidelines, 2015. Collection method: clinical testing. Allele origin: germline.
Comment: The APC c.6670A>G variant is predicted to result in the amino acid substitution p.Ile2224Val. This variant has been reported in at least one individual undergoing hereditary cancer genetic testing (Yoczyk et al. 2015. PubMed ID: 25318351, Table 2) and also in a large study of hereditary cancer-predisposing gene alterations (S Table 2, Okawa et al. 2023. PubMed ID: 36243179). This variant is reported in 0.0064% of alleles in individuals of African descent in gnomAD. This variant is interpreted as a variant of uncertain significance by the vast majority of submitters in ClinVar. At this time, the clinical significance of this variant is uncertain due to the absence of conclusive functional and genetic evidence.

Color Diagnostics, LLC DBA Color Health
Classification: Likely benign for Hereditary cancer-predisposing syndrome. Last evaluated: 2025-01-28. Review status: criteria provided, single submitter. Criteria: ACMG Guidelines, 2015. Collection method: clinical testing. Allele origin: germline.

Fulgent Genetics
Classification: Uncertain significance for Colorectal cancer; Hepatocellular carcinoma; Desmoid disease, hereditary; Familial adenomatous polyposis 1; Gastric cancer; Gastric adenocarcinoma and proximal polyposis of the stomach. Last evaluated: 2024-02-08. Review status: criteria provided, single submitter. Criteria: ACMG Guidelines, 2015. Collection method: clinical testing. Allele origin: germline.

All of Us Research Program, National Institutes of Health
Classification: Uncertain significance for Classic or attenuated familial adenomatous polyposis. Last evaluated: 2023-12-13. Review status: criteria provided, single submitter. Criteria: ACMG Guidelines, 2015. Collection method: clinical testing. Allele origin: germline. Inheritance: Autosomal dominant inheritance. Observed: 4 variant alleles, 4 heterozygotes.
Comment: This missense variant replaces isoleucine with valine at codon 2224 of the APC protein. Computational prediction suggests that this variant may not impact protein structure and function (internally defined REVEL score threshold <= 0.5, PMID: 27666373). Splice site prediction tools suggest that this variant may not impact RNA splicing. To our knowledge, functional studies have not been performed for this variant. This variant has not been reported in individuals affected with hereditary cancer but has been reported in healthy control individuals (PMID: 32980694) and an individual undergoing hereditary cancer testing (PMID: 25318351). This variant has been identified in 2/249988 chromosomes in the general population by the Genome Aggregation Database (gnomAD). The available evidence is insufficient to determine the role of this variant in disease conclusively. Therefore, this variant is classified as a Variant of Uncertain Significance.

This study involves interpretation of variants in research participants for the purpose of population health screening. Participant phenotype was not available at the time of variant classification. Additional details can be found in publication PMID: 35346344, PMCID: PMC8962531

Department of Pathology and Laboratory Medicine, Sinai Health System
Classification: Uncertain significance for Familial adenomatous polyposis 1. Last evaluated: 2023-12-08. Review status: criteria provided, single submitter. Criteria: ACMG Guidelines, 2015. Collection method: clinical testing. Allele origin: germline. Affected: yes.

CeGaT Center for Human Genetics Tuebingen
Classification: Likely benign. Last evaluated: 2023-05-01. Review status: criteria provided, single submitter. Criteria: CeGaT Center For Human Genetics Tuebingen Variant Classification Criteria Version 2. Collection method: clinical testing. Allele origin: germline. Affected: yes. Observed: 1 variant allele.
Comment: APC: BP1, BP4, BS2

GeneDx
Classification: Uncertain significance. Last evaluated: 2022-04-16. Review status: criteria provided, single submitter. Criteria: GeneDx Variant Classification Process June 2021. Collection method: clinical testing. Allele origin: germline. Affected: yes.
Comment: Not observed at significant frequency in large population cohorts (gnomAD); In silico analysis, which includes protein predictors and evolutionary conservation, supports that this variant does not alter protein structure/function; Identified in at least one individual undergoing hereditary cancer multigene panel testing in the literature (Yorczyk 2015); This variant is associated with the following publications: (PMID: 18199528, 25318351)

Literature cited by the submitters: PubMed 25318351 (cited by 3 submitters); PubMed 32980694 (cited by All of Us Research Program, National Institutes of Health and Department of Pathology and Laboratory Medicine, Sinai Health System).